The following is an entry in ClinVar:

NM_000368.5(TSC1):c.1918G>A (p.Val640Met)

Gene: TSC1 (TSC complex subunit 1; minus strand). Cytogenetic location: 9q34.13.
Variant type: single nucleotide variant.
Coding change: c.1918G>A on transcript NM_000368.5 (MANE Select); coding-DNA position 1918, G replaced by A.
Protein change: p.Val640Met; replaces valine 640 with methionine.
Molecular consequence: missense variant.
Genome position (GRCh38, 1-based): chr9:132,905,660, C>T on the plus strand (G>A on the coding strand, the complement: TSC1 is on the minus strand). VCF-style: chr9-132905660-C-T. GRCh37 (hg19) VCF-style: chr9-135781047-C-T.
Other names: c.1915G>A, p.Val639Met (NM_001162426.2); c.1765G>A, p.Val589Met (NM_001162427.2); c.1555G>A, p.Val519Met (NM_001362177.2); c.1918G>A (NM_000368.4); short protein forms V589M, V640M, V639M, V519M.
Identifiers: ClinVar variation 1426634 (VCV001426634.11), dbSNP rs1845611376, ClinGen allele CA375362690.

ClinVar aggregate classification (germline): Conflicting classifications of pathogenicity. Review status: criteria provided, conflicting classifications (1 of 4 stars). 3 submissions from 3 submitters: Uncertain significance (1); Likely benign (2). Last evaluated 2026-07-07.

Conditions:
Hereditary cancer-predisposing syndrome. Also called: Hereditary Cancer Syndrome; Neoplastic Syndromes, Hereditary; Hereditary neoplastic syndrome; Tumor predisposition. Identifiers: Orphanet 140162, MedGen C0027672, MeSH D009386, MONDO:0015356.
Tuberous sclerosis 1 (TSC1). Identifiers: Orphanet 805, MedGen C1854465, MONDO:0008612, OMIM 191100.

Allele frequency attached by ClinVar (database versions not stated): gnomAD exomes below 0.00001.
gnomAD v4.1: 2 of 1,614,252 alleles (0.00012%); highest among the groups gnomAD compares: Non-Finnish European, 0.00017%; no homozygotes.

Submissions (3):

Ambry Genetics
Classification: Likely benign for Hereditary cancer-predisposing syndrome. Last evaluated: 2026-07-07. Review status: criteria provided, single submitter. Criteria: Ambry Variant Classification Scheme 2023. Collection method: clinical testing. Allele origin: germline.

Labcorp Genetics (formerly Invitae), Labcorp
Classification: Uncertain significance for Tuberous sclerosis 1. Last evaluated: 2025-11-05. Review status: criteria provided, single submitter. Criteria: Invitae Variant Classification Sherloc (09022015). Collection method: clinical testing. Allele origin: germline.
Comment: This sequence change replaces valine, which is neutral and non-polar, with methionine, which is neutral and non-polar, at codon 640 of the TSC1 protein (p.Val640Met). This variant is not present in population databases (gnomAD no frequency). This variant has not been reported in the literature in individuals affected with TSC1-related conditions. ClinVar contains an entry for this variant (Variation ID: 1426634). Invitae Evidence Modeling of protein sequence and biophysical properties (such as structural, functional, and spatial information, amino acid conservation, physicochemical variation, residue mobility, and thermodynamic stability) indicates that this missense variant is not expected to disrupt TSC1 protein function with a negative predictive value of 95%. In summary, the available evidence is currently insufficient to determine the role of this variant in disease. Therefore, it has been classified as a Variant of Uncertain Significance.

Blueprint Genetics
Classification: Likely benign. Last evaluated: 2022-11-18. Review status: criteria provided, single submitter. Criteria: ACMG Guidelines, 2015. Collection method: clinical testing. Allele origin: germline.